The following is an entry in ClinVar:

NM_006531.5(IFT88):c.2176C>T (p.Arg726Cys)

Gene: IFT88 (intraflagellar transport 88; plus strand). Cytogenetic location: 13q12.11.
Variant type: single nucleotide variant.
Coding change: c.2176C>T on transcript NM_006531.5 (MANE Select); coding-DNA position 2176, C replaced by T.
Protein change: p.Arg726Cys; replaces arginine 726 with cysteine.
Molecular consequence: missense variant. On other transcripts: non-coding transcript variant (5).
Genome position (GRCh38, 1-based): chr13:20,670,973, C>T. VCF-style: chr13-20670973-C-T. GRCh37 (hg19) VCF-style: chr13-21245112-C-T.
Other names: c.2203C>T (NM_175605.3); c.2119C>T, p.Arg707Cys (NM_001318491.2); c.2203C>T, p.Arg735Cys (NM_001318493.2, NM_001353565.2, NM_001353566.2 and 2 more transcripts); c.2176C>T, p.Arg726Cys (NM_001353568.2, NM_001353572.2); c.2101C>T, p.Arg701Cys (NM_001353569.2, NM_001353570.2, NM_001353576.2 and 1 more transcripts); c.2074C>T, p.Arg692Cys (NM_001353571.2, NM_001353578.2); c.2032C>T, p.Arg678Cys (NM_001353573.2); c.2017C>T, p.Arg673Cys (NM_001353574.2); and 2 more; short protein forms R515C, R692C, R707C, R726C, R673C, R701C, R678C, R735C.
Identifiers: ClinVar variation 2084996 (VCV002084996.5), dbSNP rs373718900, ClinGen allele CA6905695.

ClinVar aggregate classification (germline): Uncertain significance. Review status: criteria provided, multiple submitters, no conflicts (2 of 4 stars). 2 submissions from 2 submitters: Uncertain significance (2). Last evaluated 2024-11-25.

Allele frequency attached by ClinVar (database versions not stated): ESP Exome Variant Server 0.00008.

Submissions (2):

Ambry Genetics
Classification: Uncertain significance. Last evaluated: 2024-11-25. Review status: criteria provided, single submitter. Criteria: Ambry Variant Classification Scheme 2023. Collection method: clinical testing. Allele origin: germline.

Labcorp Genetics (formerly Invitae), Labcorp
Classification: Uncertain significance. Last evaluated: 2024-11-22. Review status: criteria provided, single submitter. Criteria: Invitae Variant Classification Sherloc (09022015). Collection method: clinical testing. Allele origin: germline.
Comment: This sequence change replaces arginine, which is basic and polar, with cysteine, which is neutral and slightly polar, at codon 735 of the IFT88 protein (p.Arg735Cys). This variant is present in population databases (rs373718900, gnomAD 0.008%). This variant has not been reported in the literature in individuals affected with IFT88-related conditions. ClinVar contains an entry for this variant (Variation ID: 2084996). Experimental studies and prediction algorithms are not available or were not evaluated, and the functional significance of this variant is currently unknown. In summary, the available evidence is currently insufficient to determine the role of this variant in disease. Therefore, it has been classified as a Variant of Uncertain Significance.